The following is an entry in ClinVar:

ClinVar aggregate classification (germline): Uncertain significance. Review status: criteria provided, multiple submitters, no conflicts (2 of 4 stars). 3 submissions from 3 submitters: Uncertain significance (3). Last evaluated 2026-07-06.

Conditions:
Hereditary cancer-predisposing syndrome. Also called: Hereditary Cancer Syndrome; Hereditary neoplastic syndrome; Neoplastic Syndromes, Hereditary; Tumor predisposition. Identifiers: Orphanet 140162, MedGen C0027672, MeSH D009386, MONDO:0015356.
Hereditary nonpolyposis colorectal neoplasms. Identifiers: MedGen C0009405, MeSH D003123.

Submissions (3):

Ambry Genetics
Classification: Uncertain significance for Hereditary cancer-predisposing syndrome. Last evaluated: 2026-07-06. Review status: criteria provided, single submitter. Criteria: Ambry Variant Classification Scheme 2023. Collection method: clinical testing. Allele origin: germline.
Comment: The p.S677G variant (also known as c.2029A>G), located in coding exon 4 of the MSH6 gene, results from an A to G substitution at nucleotide position 2029. The serine at codon 677 is replaced by glycine, an amino acid with similar properties. This amino acid position is conserved. In addition, the in silico prediction for this alteration is inconclusive. Based on the available evidence, the clinical significance of this variant remains unclear.

Quest Diagnostics Nichols Institute San Juan Capistrano
Classification: Uncertain significance. Last evaluated: 2025-04-24. Review status: criteria provided, single submitter. Criteria: Quest Diagnostics criteria. Collection method: clinical testing. Allele origin: unknown.
Comment: The MSH6 c.2029A>G (p.Ser677Gly) variant has been reported in the published literature in a reportedly unaffected individual in a large scale breast cancer association study (PMID: 33471991 (2021), see also LOVD). This variant has not been reported in large, multi-ethnic general populations (Genome Aggregation Database). Analysis of this variant using bioinformatics tools for the prediction of the effect of amino acid changes on protein structure and function yielded predictions that this variant is benign. Based on the available information, we are unable to determine the clinical significance of this variant.

Labcorp Genetics (formerly Invitae), Labcorp
Classification: Uncertain significance for Hereditary nonpolyposis colorectal neoplasms. Last evaluated: 2023-07-06. Review status: criteria provided, single submitter. Criteria: Invitae Variant Classification Sherloc (09022015). Collection method: clinical testing. Allele origin: germline.
Comment: This sequence change replaces serine, which is neutral and polar, with glycine, which is neutral and non-polar, at codon 677 of the MSH6 protein (p.Ser677Gly). This variant is not present in population databases (gnomAD no frequency). This variant has not been reported in the literature in individuals affected with MSH6-related conditions. Advanced modeling of protein sequence and biophysical properties (such as structural, functional, and spatial information, amino acid conservation, physicochemical variation, residue mobility, and thermodynamic stability) performed at Invitae indicates that this missense variant is not expected to disrupt MSH6 protein function. In summary, the available evidence is currently insufficient to determine the role of this variant in disease. Therefore, it has been classified as a Variant of Uncertain Significance.

Literature cited by the submitters: PubMed 33471991 (cited by Quest Diagnostics Nichols Institute San Juan Capistrano).

NM_000179.3(MSH6):c.2029A>G (p.Ser677Gly)

Gene: MSH6 (mutS homolog 6; plus strand). Cytogenetic location: 2p16.3.
Variant type: single nucleotide variant.
Coding change: c.2029A>G on transcript NM_000179.3 (MANE Select); coding-DNA position 2029, A replaced by G.
Protein change: p.Ser677Gly; replaces serine 677 with glycine.
Molecular consequence: missense variant. On other transcripts: non-coding transcript variant (5), intron variant (2).
Genome position (GRCh38, 1-based): chr2:47,800,012, A>G. VCF-style: chr2-47800012-A-G. GRCh37 (hg19) VCF-style: chr2-48027151-A-G.
Other names: c.2029A>G, p.Ser677Gly (NM_001406808.1, NM_001406809.1, NM_001406796.1 and 3 more transcripts); c.1123A>G, p.Ser375Gly (NM_001406811.1, NM_001406812.1, NM_001406814.1 and 6 more transcripts); c.2035A>G, p.Ser679Gly (NM_001406813.1); c.1732A>G, p.Ser578Gly (NM_001406818.1, NM_001406797.1, NM_001406801.1 and 10 more transcripts); c.1639A>G, p.Ser547Gly (NM_001281492.2); c.2125A>G, p.Ser709Gly (NM_001406795.1, NM_001406802.1); c.1504A>G, p.Ser502Gly (NM_001406799.1, NM_001406806.1, NM_001406807.1); c.1951A>G, p.Ser651Gly (NM_001406804.1); and 3 more; short protein forms S375G, S578G, S621G, S651G, S679G, S502G, S709G, S547G.
Identifiers: ClinVar variation 2822760 (VCV002822760.7), dbSNP rs2104384461, ClinGen allele CA346750718.